The following is an entry in ClinVar:

ClinVar aggregate classification (germline): Uncertain significance (1 of 4 stars; one submission).

Conditions:
Ehlers-Danlos syndrome, type 4 (EDSVASC). Also called: Ehlers-Danlos syndrome vascular type; Ehlers Danlos syndrome, ecchymotic type; Ehlers Danlos syndrome, arterial type; Ehlers Danlos syndrome, Sack-Barabas type; Ehlers-Danlos Syndrome Type IV. Identifiers: Orphanet 286, MedGen C0268338, MONDO:0017314, OMIM 130050.

gnomAD v4.1: 1 of 1,612,946 alleles (0.000062%); highest among the groups gnomAD compares: African/African-American, 0.0013%; no homozygotes.

Submission:

Labcorp Genetics (formerly Invitae), Labcorp
Classification: Uncertain significance for Ehlers-Danlos syndrome, type 4. Last evaluated: 2024-03-01. Review status: criteria provided, single submitter. Criteria: Invitae Variant Classification Sherloc (09022015). Collection method: clinical testing. Allele origin: germline.
Comment: This sequence change replaces proline, which is neutral and non-polar, with threonine, which is neutral and polar, at codon 904 of the COL3A1 protein (p.Pro904Thr). This variant is present in population databases (no rsID available, gnomAD 0.007%). This variant has not been reported in the literature in individuals affected with COL3A1-related conditions. Advanced modeling of protein sequence and biophysical properties (such as structural, functional, and spatial information, amino acid conservation, physicochemical variation, residue mobility, and thermodynamic stability) performed at Invitae indicates that this missense variant is not expected to disrupt COL3A1 protein function with a negative predictive value of 95%. In summary, the available evidence is currently insufficient to determine the role of this variant in disease. Therefore, it has been classified as a Variant of Uncertain Significance.

NM_000090.4(COL3A1):c.2710C>A (p.Pro904Thr)

Gene: COL3A1 (collagen type III alpha 1 chain; plus strand). Cytogenetic location: 2q32.2.
Variant type: single nucleotide variant.
Coding change: c.2710C>A on transcript NM_000090.4 (MANE Select); coding-DNA position 2710, C replaced by A.
Protein change: p.Pro904Thr; replaces proline 904 with threonine.
Molecular consequence: missense variant.
Genome position (GRCh38, 1-based): chr2:189,004,030, C>A. VCF-style: chr2-189004030-C-A. GRCh37 (hg19) VCF-style: chr2-189868756-C-A.
Other names: short protein forms P904T.
Identifiers: ClinVar variation 3605125 (VCV003605125.2).
Genomic context (GRCh38, chr2:189,004,030, plus strand): 5'-AATTATTTGTAGGGTAACCCAGGACCCCCAGGTCCCAGCGGTTCTCCAGGCAAGGATGGG[C>A]CCCCAGGTCCTGCGGGTAACACTGGTGCTCCTGGCAGCCCTGGAGTGTCTGGACCAAAAG-3'
Protein context (NP_000081.2, residues 894-914): GPSGSPGKDG[Pro904Thr]PGPAGNTGAP